The following is an entry in ClinVar:

NM_080680.3(COL11A2):c.3058C>T (p.Arg1020Ter)

Gene: COL11A2 (collagen type XI alpha 2 chain; minus strand). Cytogenetic location: 6p21.32.
Variant type: single nucleotide variant.
Coding change: c.3058C>T on transcript NM_080680.3 (MANE Select); coding-DNA position 3058, C replaced by T.
Protein change: p.Arg1020Ter; replaces arginine 1020 with a stop codon.
Molecular consequence: nonsense.
Genome position (GRCh38, 1-based): chr6:33,171,805, G>A on the plus strand (C>T on the coding strand, the complement: COL11A2 is on the minus strand). VCF-style: chr6-33171805-G-A. GRCh37 (hg19) VCF-style: chr6-33139582-G-A.
Other names: c.2737C>T, p.Arg913Ter (NM_080679.3); c.2800C>T, p.Arg934Ter (NM_080681.3); short protein forms R1020*, R934*, R913*.
Identifiers: ClinVar variation 423882 (VCV000423882.10), dbSNP rs911722283, ClinGen allele CA16618279.
Genomic context (GRCh38, chr6:33,171,805, plus strand): 5'-GACCCTGCGGGCCTGGGCGCCCTGGCGGACCAATGGGTCCCCCTGATCCTGCTGCACCTC[G>A]TTCCCCAGGGGAGCCCTGAGAAAGCAGATGGTCAGACCCCCAGGAAGGAGACACCAGCCC-3'

ClinVar aggregate classification (germline): Pathogenic/Likely pathogenic. Review status: criteria provided, multiple submitters, no conflicts (2 of 4 stars). 4 submissions from 4 submitters: Pathogenic (1); Likely pathogenic (3). Last evaluated 2025-03-16.

Conditions:
Autosomal recessive nonsyndromic hearing loss 53. Identifiers: Orphanet 90636, MedGen C1864746, MONDO:0012333, OMIM 609706.
Otospondylomegaepiphyseal dysplasia, autosomal dominant (OSMEDA). Also called: Pierre Robin syndrome with fetal chondrodysplasia; Stickler syndrome, type 3; COL11A2-Related Stickler Syndrome. Identifiers: Orphanet 166100, Orphanet 3450, MedGen C1848488, MONDO:0008490, OMIM 184840.
Autosomal dominant nonsyndromic hearing loss 13. Identifiers: Orphanet 90635, MedGen C1866095, MONDO:0011159, OMIM 601868.
Otospondylomegaepiphyseal dysplasia, autosomal recessive (OSMEDB). Also called: Insley-Astley syndrome; CHONDRODYSTROPHY WITH SENSORINEURAL DEAFNESS. Identifiers: Orphanet 1427, MedGen CN034493, MONDO:0044206, OMIM 215150.
Fibrochondrogenesis 2 (FBCG2). Identifiers: Orphanet 2021, MedGen C3281128, MONDO:0013795, OMIM 614524.
COL11A2-related disorder. Also called: COL11A2-related disorders; COL11A2-related condition.

Allele frequency attached by ClinVar (database versions not stated): gnomAD exomes below 0.00001; gnomAD 0.00002; TOPMed 0.00002.
gnomAD v4.1: 9 of 1,612,732 alleles (0.00056%); highest among the groups gnomAD compares: Non-Finnish European, 0.00076%; no homozygotes.

Submissions (4):

Labcorp Genetics (formerly Invitae), Labcorp
Classification: Pathogenic. Last evaluated: 2025-03-16. Review status: criteria provided, single submitter. Criteria: Invitae Variant Classification Sherloc (09022015). Collection method: clinical testing. Allele origin: germline.
Comment: This sequence change creates a premature translational stop signal (p.Arg1020*) in the COL11A2 gene. It is expected to result in an absent or disrupted protein product. Loss-of-function variants in COL11A2 are known to be pathogenic (PMID: 10677296, 21204229). The frequency data for this variant in the population databases is considered unreliable, as metrics indicate poor data quality at this position in the gnomAD database. This variant has not been reported in the literature in individuals affected with COL11A2-related conditions. ClinVar contains an entry for this variant (Variation ID: 423882). For these reasons, this variant has been classified as Pathogenic.

GeneDx
Classification: Likely pathogenic. Last evaluated: 2023-05-05. Review status: criteria provided, single submitter. Criteria: GeneDx Variant Classification Process June 2021. Collection method: clinical testing. Allele origin: germline. Affected: yes.
Comment: Nonsense variant predicted to result in protein truncation or nonsense mediated decay in a gene for which loss of function is a known mechanism of disease; Not observed at significant frequency in large population cohorts (gnomAD); Has not been previously published as pathogenic or benign to our knowledge

Fulgent Genetics
Classification: Likely pathogenic for Otospondylomegaepiphyseal dysplasia, autosomal dominant; Otospondylomegaepiphyseal dysplasia, autosomal recessive; Autosomal dominant nonsyndromic hearing loss 13; Autosomal recessive nonsyndromic hearing loss 53; Fibrochondrogenesis 2. Last evaluated: 2022-02-10. Review status: criteria provided, single submitter. Criteria: ACMG Guidelines, 2015. Collection method: clinical testing. Allele origin: unknown.

Blueprint Genetics
Classification: Likely pathogenic for COL11A2-related disorders. Last evaluated: 2021-12-13. Review status: criteria provided, single submitter. Criteria: ACMG Guidelines, 2015. Collection method: clinical testing. Allele origin: germline. Affected: yes. Observed: 2 variant alleles.

Literature cited by the submitters: PubMed 10677296 (cited by Labcorp Genetics (formerly Invitae), Labcorp); PubMed 21204229 (cited by Labcorp Genetics (formerly Invitae), Labcorp).